The following is an entry in ClinVar:

NM_000435.3(NOTCH3):c.865G>T (p.Gly289Cys)

Gene: NOTCH3 (notch receptor 3; minus strand). Cytogenetic location: 19p13.12.
Variant type: single nucleotide variant.
Coding change: c.865G>T on transcript NM_000435.3 (MANE Select); coding-DNA position 865, G replaced by T.
Protein change: p.Gly289Cys; replaces glycine 289 with cysteine.
Molecular consequence: missense variant.
Genome position (GRCh38, 1-based): chr19:15,191,595, C>A on the plus strand (G>T on the coding strand, the complement: NOTCH3 is on the minus strand). VCF-style: chr19-15191595-C-A. GRCh37 (hg19) VCF-style: chr19-15302406-C-A.
Other names: p.Gly289Cys; short protein forms G289C.
Identifiers: ClinVar variation 930407 (VCV000930407.5), dbSNP rs1253499013, ClinGen allele CA404531520.

ClinVar aggregate classification (germline): Conflicting classifications of pathogenicity. Review status: criteria provided, conflicting classifications (1 of 4 stars). 3 submissions from 3 submitters: Likely pathogenic (2); Uncertain significance (1). Last evaluated 2026-01-26.

Conditions:
Cerebral arteriopathy, autosomal dominant, with subcortical infarcts and leukoencephalopathy, type 1 (CADASIL1). Also called: CADASIL 1; Cerebral arteriopathy with subcortical infarcts and leukoencephalopathy 1; CASIL; DEMENTIA, HEREDITARY MULTIINFARCT TYPE. Identifiers: Orphanet 136, MedGen C4551768, MONDO:0000914, OMIM 125310.

Submissions (3):

Medical and Scientific Branch, Hong Kong Genome Institute
Classification: Likely pathogenic for Cerebral arteriopathy, autosomal dominant, with subcortical infarcts and leukoencephalopathy, type 1. Last evaluated: 2026-01-26. Review status: criteria provided, single submitter. Criteria: ACMG Guidelines, 2015. Collection method: clinical testing. Allele origin: unknown. Affected: yes.

Mayo Clinic Laboratories, Mayo Clinic
Classification: Likely pathogenic. Last evaluated: 2022-10-19. Review status: criteria provided, single submitter. Criteria: ACMG Guidelines, 2015. Collection method: clinical testing. Allele origin: germline. Observed: 1 variant allele.
Comment: PP2, PP3, PM1, PM2

Centre for Mendelian Genomics, University Medical Centre Ljubljana
Classification: Uncertain significance for Cerebral arteriopathy, autosomal dominant, with subcortical infarcts and leukoencephalopathy, type 1. Last evaluated: 2016-01-01. Review status: criteria provided, single submitter. Criteria: ACMG Guidelines, 2015. Collection method: clinical testing. Allele origin: unknown. Affected: yes.
Comment: This variant was classified as: Uncertain significance. The following ACMG criteria were applied in classifying this variant: PM2,PP2,PP3.